The following is an entry in ClinVar:

NM_002439.5(MSH3):c.1309G>T (p.Glu437Ter)

Gene: MSH3 (mutS homolog 3; plus strand). Cytogenetic location: 5q14.1.
Variant type: single nucleotide variant.
Coding change: c.1309G>T on transcript NM_002439.5 (MANE Select); coding-DNA position 1309, G replaced by T.
Protein change: p.Glu437Ter; replaces glutamic acid 437 with a stop codon.
Molecular consequence: nonsense.
Genome position (GRCh38, 1-based): chr5:80,679,062, G>T. VCF-style: chr5-80679062-G-T. GRCh37 (hg19) VCF-style: chr5-79974881-G-T.
Other names: c.1309G>T (NM_002439.3); short protein forms E437*.
Identifiers: ClinVar variation 2676787 (VCV002676787.3), dbSNP rs2112819171, ClinGen allele CA360269091.

ClinVar aggregate classification (germline): Pathogenic/Likely pathogenic. Review status: criteria provided, multiple submitters, no conflicts (2 of 4 stars). 3 submissions from 3 submitters: Pathogenic (2); Likely pathogenic (1). Last evaluated 2026-05-20.

Conditions:
Familial adenomatous polyposis 4 (FAP4). Also called: MSH3-related attenuated familial adenomatous polyposis. Identifiers: Orphanet 480536, MedGen C4310719, MONDO:0044300, OMIM 617100.
Hereditary cancer-predisposing syndrome. Also called: Tumor predisposition; Hereditary neoplastic syndrome; Neoplastic Syndromes, Hereditary; Hereditary Cancer Syndrome. Identifiers: Orphanet 140162, MedGen C0027672, MeSH D009386, MONDO:0015356.
Endometrial carcinoma. Also called: Endometrial carcinoma, somatic. Identifiers: MedGen C0476089, MONDO:0002447, OMIM 608089, HP:0012114.

Submissions (3):

Ambry Genetics
Classification: Pathogenic for Hereditary cancer-predisposing syndrome. Last evaluated: 2026-05-20. Review status: criteria provided, single submitter. Criteria: Ambry Variant Classification Scheme 2023. Collection method: clinical testing. Allele origin: germline.
Comment: The p.E437* pathogenic mutation (also known as c.1309G>T), located in coding exon 8 of the MSH3 gene, results from a G to T substitution at nucleotide position 1309. This changes the amino acid from a glutamic acid to a stop codon within coding exon 8. This variant is considered to be rare based on population cohorts in the Genome Aggregation Database (gnomAD). This alteration is expected to result in loss of function by premature protein truncation or nonsense-mediated mRNA decay. As such, this alteration is interpreted as a disease-causing mutation.

Myriad Genetics, Inc.
Classification: Pathogenic for Familial adenomatous polyposis 4. Last evaluated: 2024-03-20. Review status: criteria provided, single submitter. Criteria: Myriad Autosomal Dominant, Autosomal Recessive and X-Linked Classification Criteria (2023). Collection method: clinical testing. Allele origin: unknown.
Comment: This variant is considered pathogenic. This variant creates a termination codon and is predicted to result in premature protein truncation.

Baylor Genetics
Classification: Likely pathogenic for Endometrial carcinoma. Last evaluated: 2021-07-29. Review status: criteria provided, single submitter. Criteria: ACMG Guidelines, 2015. Collection method: clinical testing. Allele origin: unknown.